The following is an entry in ClinVar:

ClinVar aggregate classification (germline): Uncertain significance. Review status: criteria provided, multiple submitters, no conflicts (2 of 4 stars). 2 submissions from 2 submitters: Uncertain significance (2). Last evaluated 2025-06-06.

Conditions:
Inborn genetic diseases. Identifiers: MedGen C0950123, MeSH D030342.

Allele frequency attached by ClinVar (database versions not stated): gnomAD exomes below 0.00001; ExAC 0.00001; TOPMed 0.00001; 1000 Genomes Project 30x 0.00016; 1000 Genomes Project 0.00020.
gnomAD v4.1: 7 of 1,614,160 alleles (0.00043%); highest among the groups gnomAD compares: East Asian, 0.0022%; no homozygotes.

Submissions (2):

Ambry Genetics
Classification: Uncertain significance for Inborn genetic diseases. Last evaluated: 2025-06-06. Review status: criteria provided, single submitter. Criteria: Ambry Variant Classification Scheme 2023. Collection method: clinical testing. Allele origin: germline.

Labcorp Genetics (formerly Invitae), Labcorp
Classification: Uncertain significance. Last evaluated: 2022-05-27. Review status: criteria provided, single submitter. Criteria: Invitae Variant Classification Sherloc (09022015). Collection method: clinical testing. Allele origin: germline.
Comment: This variant has not been reported in the literature in individuals affected with GANAB-related conditions. Advanced modeling of protein sequence and biophysical properties (such as structural, functional, and spatial information, amino acid conservation, physicochemical variation, residue mobility, and thermodynamic stability) performed at Invitae indicates that this missense variant is expected to disrupt GANAB protein function. In summary, the available evidence is currently insufficient to determine the role of this variant in disease. Therefore, it has been classified as a Variant of Uncertain Significance. This sequence change replaces arginine, which is basic and polar, with tryptophan, which is neutral and slightly polar, at codon 515 of the GANAB protein (p.Arg515Trp). This variant is present in population databases (rs556345168, gnomAD 0.003%).

NM_198334.3(GANAB):c.1477C>T (p.Arg493Trp)

Gene: GANAB (glucosidase II alpha subunit; minus strand). Cytogenetic location: 11q12.3.
Variant type: single nucleotide variant.
Coding change: c.1477C>T on transcript NM_198334.3 (MANE Select); coding-DNA position 1477, C replaced by T.
Protein change: p.Arg493Trp; replaces arginine 493 with tryptophan.
Molecular consequence: missense variant.
Genome position (GRCh38, 1-based): chr11:62,630,415, G>A on the plus strand (C>T on the coding strand, the complement: GANAB is on the minus strand). VCF-style: chr11-62630415-G-A. GRCh37 (hg19) VCF-style: chr11-62397887-G-A.
Other names: c.1543C>T (NM_198335.2); c.1201C>T, p.Arg401Trp (NM_001278192.2); c.1135C>T, p.Arg379Trp (NM_001278193.2); c.1186C>T, p.Arg396Trp (NM_001278194.2, NM_001329222.2, NM_001329223.2); c.754C>T, p.Arg252Trp (NM_001329224.2, NM_001329225.2); c.1543C>T, p.Arg515Trp (NM_198335.4); short protein forms R252W, R379W, R401W, R515W, R396W, R493W.
Identifiers: ClinVar variation 1931229 (VCV001931229.6), dbSNP rs556345168, ClinGen allele CA6050766.